The following is an entry in ClinVar:

ClinVar aggregate classification (germline): Uncertain significance. Review status: criteria provided, multiple submitters, no conflicts (2 of 4 stars). 4 submissions from 4 submitters: Uncertain significance (4). Last evaluated 2026-06-07.

Conditions:
Inborn genetic diseases. Identifiers: MedGen C0950123, MeSH D030342.
CDH23-related disorder. Also called: CDH23-related condition; CDH23-related disorders.

Allele frequency attached by ClinVar (database versions not stated): TOPMed below 0.00001; gnomAD 0.00001; gnomAD exomes 0.00001; ExAC 0.00002.
gnomAD v4.1: 8 of 1,597,294 alleles (0.0005%); highest among the groups gnomAD compares: Non-Finnish European, 0.00068%; no homozygotes.

Submissions (4):

PreventionGenetics, part of Exact Sciences
Classification: Uncertain significance for CDH23-related condition. Last evaluated: 2026-06-07. Review status: criteria provided, single submitter. Criteria: ACMG Guidelines, 2015. Collection method: clinical testing. Allele origin: germline.
Comment: The CDH23 c.7846A>G variant is predicted to result in the amino acid substitution p.Asn2616Asp. To our knowledge, this variant has not been reported in the literature. This variant is reported in 0.0027% of alleles in individuals of European (Non-Finnish) descent in gnomAD. At this time, the clinical significance of this variant is uncertain due to the absence of conclusive functional and genetic evidence.

Labcorp Genetics (formerly Invitae), Labcorp
Classification: Uncertain significance. Last evaluated: 2024-01-02. Review status: criteria provided, single submitter. Criteria: Invitae Variant Classification Sherloc (09022015). Collection method: clinical testing. Allele origin: germline.
Comment: This sequence change replaces asparagine, which is neutral and polar, with aspartic acid, which is acidic and polar, at codon 2616 of the CDH23 protein (p.Asn2616Asp). This variant is present in population databases (rs761970568, gnomAD 0.003%). This variant has not been reported in the literature in individuals affected with CDH23-related conditions. ClinVar contains an entry for this variant (Variation ID: 1409455). Advanced modeling of protein sequence and biophysical properties (such as structural, functional, and spatial information, amino acid conservation, physicochemical variation, residue mobility, and thermodynamic stability) performed at Invitae indicates that this missense variant is not expected to disrupt CDH23 protein function with a negative predictive value of 95%. In summary, the available evidence is currently insufficient to determine the role of this variant in disease. Therefore, it has been classified as a Variant of Uncertain Significance.

Ambry Genetics
Classification: Uncertain significance for Inborn genetic diseases. Last evaluated: 2023-08-14. Review status: criteria provided, single submitter. Criteria: Ambry Variant Classification Scheme 2023. Collection method: clinical testing. Allele origin: germline.

GeneDx
Classification: Uncertain significance. Last evaluated: 2022-06-30. Review status: criteria provided, single submitter. Criteria: GeneDx Variant Classification Process June 2021. Collection method: clinical testing. Allele origin: germline. Affected: yes.
Comment: Not observed at significant frequency in large population cohorts (gnomAD); In silico analysis supports that this missense variant has a deleterious effect on protein structure/function; Has not been previously published as pathogenic or benign to our knowledge

NM_022124.6(CDH23):c.7846A>G (p.Asn2616Asp)

Gene: CDH23 (cadherin related 23; plus strand). Cytogenetic location: 10q22.1.
Variant type: single nucleotide variant.
Coding change: c.7846A>G on transcript NM_022124.6 (MANE Select); coding-DNA position 7846, A replaced by G.
Protein change: p.Asn2616Asp; replaces asparagine 2616 with aspartic acid.
Molecular consequence: missense variant.
Genome position (GRCh38, 1-based): chr10:71,803,394, A>G. VCF-style: chr10-71803394-A-G. GRCh37 (hg19) VCF-style: chr10-73563151-A-G.
Other names: c.1126A>G, p.Asn376Asp (NM_001171933.1, NM_001171934.1); short protein forms N376D, N2616D.
Identifiers: ClinVar variation 1409455 (VCV001409455.8), dbSNP rs761970568, ClinGen allele CA5546450.